The following is an entry in ClinVar:

NM_001009944.3(PKD1):c.10051-9G>A

Gene: PKD1 (polycystin 1, transient receptor potential channel interacting; minus strand). Cytogenetic location: 16p13.3.
Variant type: single nucleotide variant.
Coding change: c.10051-9G>A on transcript NM_001009944.3 (MANE Select); 9 bases into the intron before coding-DNA position 10051, G replaced by A.
Molecular consequence: intron variant.
Genome position (GRCh38, 1-based): chr16:2,097,993, C>T on the plus strand (G>A on the coding strand, the complement: PKD1 is on the minus strand). VCF-style: chr16-2097993-C-T. GRCh37 (hg19) VCF-style: chr16-2147994-C-T.
Other names: c.10051-9G>A (NM_000296.4).
Identifiers: ClinVar variation 3036079 (VCV003036079.3), dbSNP rs541480160, ClinGen allele CA7829827.

ClinVar aggregate classification (germline): Likely benign. Review status: criteria provided, single submitter (1 of 4 stars). 2 submissions from 2 submitters: Likely benign (1). 1 of the submissions does not count toward it. Last evaluated 2023-11-16.

Conditions:
PKD1-related disorder. Also called: PKD1-related condition.

Allele frequency attached by ClinVar (database versions not stated): ExAC 0.00007; gnomAD 0.00007; 1000 Genomes Project 30x 0.00016.
gnomAD v4.1: 102 of 1,536,670 alleles (0.0066%); highest among the groups gnomAD compares: Middle Eastern, 0.12%; no homozygotes.

Submissions (2):

Blueprint Genetics
Classification: Likely benign. Last evaluated: 2023-11-16. Review status: criteria provided, single submitter. Criteria: ACMG Guidelines, 2015. Collection method: clinical testing. Allele origin: germline.

PreventionGenetics, part of Exact Sciences
Classification: Likely benign for PKD1-related condition. Last evaluated: 2022-08-01. Review status: no assertion criteria provided. Collection method: clinical testing. Allele origin: germline. Not counted in ClinVar's aggregate classification.
Comment: This variant is classified as likely benign based on ACMG/AMP sequence variant interpretation guidelines (Richards et al. 2015 PMID: 25741868, with internal and published modifications).